The following is an entry in ClinVar:

NC_000012.11:g.(?_133237545)_(133263901_?)dup

Gene: POLE (DNA polymerase epsilon, catalytic subunit; minus strand). Cytogenetic location: 12q24.33.
Variant type: Duplication.
Identifiers: ClinVar variation 1007752 (VCV001007752.6).

ClinVar aggregate classification (germline): Uncertain significance (1 of 4 stars; one submission).

Submission:

Labcorp Genetics (formerly Invitae), Labcorp
Classification: Uncertain significance. Last evaluated: 2022-04-03. Review status: criteria provided, single submitter. Criteria: Invitae Variant Classification Sherloc (09022015). Collection method: clinical testing. Allele origin: germline.
Comment: In summary, the available evidence is currently insufficient to determine the role of this variant in disease. Therefore, it has been classified as a Variant of Uncertain Significance. Experimental studies and prediction algorithms are not available or were not evaluated, and the functional significance of this variant is currently unknown. This variant has not been reported in the literature in individuals affected with POLE-related conditions. This variant results in a copy number gain of the genomic region encompassing exon(s) 1-25 of the POLE gene. This region includes the initiator codon of the gene. This copy number gain extends beyond the assayed region for this gene and therefore may encompass additional genes. As the precise location of this event is unknown, it may be in tandem or it may be located elsewhere in the genome.